The following is an entry in ClinVar:

ClinVar aggregate classification (germline): Uncertain significance. Review status: criteria provided, multiple submitters, no conflicts (2 of 4 stars). 5 submissions from 5 submitters: Uncertain significance (5). Last evaluated 2024-04-24.

Conditions:
RET-related disorder. Also called: RET-related condition; RET-related disease; RET-related disorders.
Multiple endocrine neoplasia, type 2 (MEN2). Identifiers: Orphanet 653, MedGen C4048306, MONDO:0019003. Disease mechanism: gain of function.
Hirschsprung disease, susceptibility to, 1 (HSCR1). Also called: RET-Related Hirschsprung Disease. Identifiers: Orphanet 388, MedGen C3888239, MONDO:0007723, OMIM 142623.
Pheochromocytoma. Also called: MAX-Related Hereditary Paraganglioma-Pheochromocytoma Syndrome. Identifiers: Orphanet 29072, MedGen C0031511, MONDO:0008233, OMIM 171300, HP:0002666.
Multiple endocrine neoplasia type 2A. Also called: MULTIPLE ENDOCRINE NEOPLASIA, TYPE IIA; PTC SYNDROME; SIPPLE SYNDROME; MEN 2A; MEN-2A syndrome; Pheochromocytoma and amyloid producing medullary thyroid carcinoma. Identifiers: Orphanet 247698, Orphanet 653, MedGen C0025268, MeSH D018813, MONDO:0008234, OMIM 171400.
Familial medullary thyroid carcinoma (MTC). Also called: Thyroid cancer, familial medullary; MTC, familial; Familial Medullary Thyroid Carcinoma (FMTC). Identifiers: Orphanet 653, Orphanet 99361, MedGen C1833921, MONDO:0007958, OMIM 155240.
Multiple endocrine neoplasia type 2B. Also called: MEN 2B; Multiple endocrine neoplasia, type 3; MUCOSAL NEUROMA SYNDROME; MEN IIB; NEUROMATA, MUCOSAL, WITH ENDOCRINE TUMORS; WAGENMANN-FROBOESE SYNDROME. Identifiers: Orphanet 247709, Orphanet 653, MedGen C0025269, MeSH D018814, MONDO:0008082, OMIM 162300.
Hereditary cancer-predisposing syndrome. Also called: Neoplastic Syndromes, Hereditary; Tumor predisposition; Hereditary Cancer Syndrome; Hereditary neoplastic syndrome. Identifiers: Orphanet 140162, MedGen C0027672, MeSH D009386, MONDO:0015356.

Allele frequency attached by ClinVar (database versions not stated): gnomAD exomes below 0.00001 and 0.00001; ExAC 0.00001; TOPMed 0.00001.
gnomAD v4.1: 3 of 1,614,048 alleles (0.00019%); highest among the groups gnomAD compares: Non-Finnish European, 0.00025%; no homozygotes.

Submissions (5):

Ambry Genetics
Classification: Uncertain significance for Hereditary cancer-predisposing syndrome. Last evaluated: 2024-04-24. Review status: criteria provided, single submitter. Criteria: Ambry Variant Classification Scheme 2023. Collection method: clinical testing. Allele origin: germline.
Comment: The p.M888V variant (also known as c.2662A>G), located in coding exon 15 of the RET gene, results from an A to G substitution at nucleotide position 2662. The methionine at codon 888 is replaced by valine, an amino acid with highly similar properties. This amino acid position is highly conserved in available vertebrate species. In addition, this alteration is predicted to be deleterious by in silico analysis. Since supporting evidence is limited at this time, the clinical significance of this alteration remains unclear.

Fulgent Genetics
Classification: Uncertain significance for Hirschsprung disease, susceptibility to, 1; Familial medullary thyroid carcinoma; Multiple endocrine neoplasia type 2B; Pheochromocytoma; Multiple endocrine neoplasia type 2A. Last evaluated: 2024-03-18. Review status: criteria provided, single submitter. Criteria: ACMG Guidelines, 2015. Collection method: clinical testing. Allele origin: germline.

Labcorp Genetics (formerly Invitae), Labcorp
Classification: Uncertain significance for Multiple endocrine neoplasia, type 2. Last evaluated: 2023-10-05. Review status: criteria provided, single submitter. Criteria: Invitae Variant Classification Sherloc (09022015). Collection method: clinical testing. Allele origin: germline.
Comment: This sequence change replaces methionine, which is neutral and non-polar, with valine, which is neutral and non-polar, at codon 888 of the RET protein (p.Met888Val). This variant is present in population databases (rs774930499, gnomAD 0.0009%). This variant has not been reported in the literature in individuals affected with RET-related conditions. ClinVar contains an entry for this variant (Variation ID: 844879). An algorithm developed to predict the effect of missense changes on protein structure and function (PolyPhen-2) suggests that this variant is likely to be disruptive. In summary, the available evidence is currently insufficient to determine the role of this variant in disease. Therefore, it has been classified as a Variant of Uncertain Significance.

PreventionGenetics, part of Exact Sciences
Classification: Uncertain significance for RET-related condition. Last evaluated: 2023-04-27. Review status: criteria provided, single submitter. Criteria: ACMG Guidelines, 2015. Collection method: clinical testing. Allele origin: germline.
Comment: The RET c.2662A>G variant is predicted to result in the amino acid substitution p.Met888Val. To our knowledge, this variant has not been reported in the literature. This variant is reported in 0.00088% of alleles in individuals of European (Non-Finnish) descent in gnomAD. It is interpreted as uncertain significance in ClinVar. At this time, the clinical significance of this variant is uncertain due to the absence of conclusive functional and genetic evidence.

GeneDx
Classification: Uncertain significance. Last evaluated: 2020-02-16. Review status: criteria provided, single submitter. Criteria: GeneDx Variant Classification Process June 2021. Collection method: clinical testing. Allele origin: germline. Affected: yes.
Comment: Not observed at a significant frequency in large population cohorts (Lek et al., 2016); In silico analysis supports that this missense variant does not alter protein structure/function; Has not been previously published as pathogenic or benign to our knowledge

NM_020975.6(RET):c.2662A>G (p.Met888Val)

Gene: RET (ret proto-oncogene; plus strand). Cytogenetic location: 10q11.21.
Variant type: single nucleotide variant.
Coding change: c.2662A>G on transcript NM_020975.6 (MANE Select); coding-DNA position 2662, A replaced by G.
Protein change: p.Met888Val; replaces methionine 888 with valine.
Molecular consequence: missense variant.
Genome position (GRCh38, 1-based): chr10:43,120,135, A>G. VCF-style: chr10-43120135-A-G. GRCh37 (hg19) VCF-style: chr10-43615583-A-G.
Other names: c.2527A>G, p.Met843Val (NM_001406763.1, NM_001406765.1); c.2533A>G, p.Met845Val (NM_001406764.1, NM_001406761.1, NM_001406762.1); c.2374A>G, p.Met792Val (NM_001406766.1, NM_001406767.1, NM_001406770.1); c.2398A>G, p.Met800Val (NM_001406768.1); c.2266A>G, p.Met756Val (NM_001406769.1, NM_001406772.1); c.2224A>G, p.Met742Val (NM_001406771.1, NM_001406773.1); c.1765A>G, p.Met589Val (NM_001406782.1, NM_001406779.1, NM_001406780.1 and 1 more transcripts); c.1636A>G, p.Met546Val (NM_001406783.1, NM_001406786.1); and 10 more; short protein forms M634V, M888V, M405V, M546V, M549V, M792V, M800V, M843V.
Identifiers: ClinVar variation 844879 (VCV000844879.16), dbSNP rs774930499, ClinGen allele CA040337.